The following is an entry in ClinVar:

ClinVar aggregate classification (germline): Conflicting classifications of pathogenicity. Review status: criteria provided, conflicting classifications (1 of 4 stars). 2 submissions from 2 submitters: Uncertain significance (1); Likely benign (1). Last evaluated 2024-09-20.

Conditions:
Developmental and epileptic encephalopathy, 66. Also called: EPILEPTIC ENCEPHALOPATHY, EARLY INFANTILE, 66. Identifiers: MedGen C4748070, MONDO:0054845, OMIM 618067.

Submissions (2):

3billion
Classification: Likely benign for Developmental and epileptic encephalopathy, 66. Last evaluated: 2024-09-20. Review status: criteria provided, single submitter. Criteria: ACMG Guidelines, 2015. Collection method: clinical testing. Allele origin: germline. Affected: no.
Comment: The variant was identified in at least one patient who was diagnosed with a different variant in another gene and showed no symptoms related to the gene containing the variant in question.

Centre for Mendelian Genomics, University Medical Centre Ljubljana
Classification: Uncertain significance for Developmental and epileptic encephalopathy, 66. Last evaluated: 2019-04-25. Review status: criteria provided, single submitter. Criteria: ACMG Guidelines, 2015. Collection method: clinical testing. Allele origin: unknown. Affected: yes.
Comment: This variant was classified as: Uncertain significance. The available evidence on this variant's pathogenicity is insufficient or conflicting. The following ACMG criteria were applied in classifying this variant: PM2,PP3.

NM_001100913.3(PACS2):c.1381G>A (p.Asp461Asn)

Gene: PACS2 (phosphofurin acidic cluster sorting protein 2; plus strand). Cytogenetic location: 14q32.33.
Variant type: single nucleotide variant.
Coding change: c.1381G>A on transcript NM_001100913.3 (MANE Select); coding-DNA position 1381, G replaced by A.
Protein change: p.Asp461Asn; replaces aspartic acid 461 with asparagine.
Molecular consequence: missense variant.
Genome position (GRCh38, 1-based): chr14:105,382,026, G>A. VCF-style: chr14-105382026-G-A. GRCh37 (hg19) VCF-style: chr14-105848363-G-A.
Other names: c.1156G>A, p.Asp386Asn (NM_001243127.3); c.1381G>A, p.Asp461Asn (NM_015197.4); short protein forms D386N, D461N.
Identifiers: ClinVar variation 930460 (VCV000930460.4), dbSNP rs2081012243, ClinGen allele CA391181860.